The following is an entry in ClinVar:

NM_001267550.2(TTN):c.54494G>A (p.Arg18165His)

Genes: TTN (titin; minus strand), TTN-AS1 (TTN antisense RNA 1; plus strand). Cytogenetic location: 2q31.2.
Variant type: single nucleotide variant.
Coding change: c.54494G>A on transcript NM_001267550.2 (MANE Select); coding-DNA position 54494, G replaced by A.
Protein change: p.Arg18165His; replaces arginine 18165 with histidine.
Molecular consequence: missense variant.
Genome position (GRCh38, 1-based): chr2:178,604,193, C>T on the plus strand (G>A on the coding strand, the complement: TTN is on the minus strand). VCF-style: chr2-178604193-C-T. GRCh37 (hg19) VCF-style: chr2-179468920-C-T.
Other names: c.27299G>A, p.Arg9100His (NM_003319.4); c.46790G>A, p.Arg15597His (NM_133378.4); c.27674G>A, p.Arg9225His (NM_133432.3); c.27875G>A, p.Arg9292His (NM_133437.4); c.49571G>A, p.Arg16524His (NM_001256850.1); short protein forms R15597H, R16524H, R18165H, R9100H, R9225H, R9292H.
Identifiers: ClinVar variation 997894 (VCV000997894.20), dbSNP rs574313741, ClinGen allele CA1993621.

ClinVar aggregate classification (germline): Conflicting classifications of pathogenicity. Review status: criteria provided, conflicting classifications (1 of 4 stars). 5 submissions from 5 submitters: Uncertain significance (2); Likely benign (3). Last evaluated 2025-04-09.

Allele frequency attached by ClinVar (database versions not stated): gnomAD 0.00002 and 0.00003; TOPMed 0.00002; gnomAD exomes 0.00008; ExAC 0.00010; 1000 Genomes Project 0.00020; 1000 Genomes Project 30x 0.00031.
gnomAD v4.1: 89 of 1,611,718 alleles (0.0055%); highest among the groups gnomAD compares: South Asian, 0.062%; 1 homozygote.

Submissions (5):

Molecular Diagnostic Laboratory for Inherited Cardiovascular Disease, Montreal Heart Institute
Classification: Likely benign. Last evaluated: 2025-04-09. Review status: criteria provided, single submitter. Criteria: ACMG Guidelines, 2015. Collection method: clinical testing. Allele origin: germline. Affected: no.
Comment: BP1

CeGaT Center for Human Genetics Tuebingen
Classification: Uncertain significance. Last evaluated: 2025-02-01. Review status: criteria provided, single submitter. Criteria: CeGaT Center For Human Genetics Tuebingen Variant Classification Criteria Version 2. Collection method: clinical testing. Allele origin: germline. Affected: yes. Observed: 1 variant allele.

Revvity Omics, Revvity
Classification: Uncertain significance. Last evaluated: 2025-01-30. Review status: criteria provided, single submitter. Criteria: ACMG Guidelines, 2015. Collection method: clinical testing. Allele origin: germline.

Women's Health and Genetics/Laboratory Corporation of America, LabCorp
Classification: Likely benign. Last evaluated: 2021-02-01. Review status: criteria provided, single submitter. Criteria: LabCorp Variant Classification Summary - May 2015. Collection method: clinical testing. Allele origin: germline.
Comment: Variant summary: TTN c.46790G>A (p.Arg15597His) results in a non-conservative amino acid change located in the A-band of the encoded protein sequence. Three of five in-silico tools predict a damaging effect of the variant on protein function. The variant allele was found at a frequency of 7.7e-05 in 247258 control chromosomes, predominantly at a frequency of 0.00059 within the South Asian subpopulation in the gnomAD database. The observed variant frequency within South Asian control individuals in the gnomAD database is approximately 1.5 fold of the estimated maximal expected allele frequency for a pathogenic variant in TTN causing Dilated Cardiomyopathy phenotype (0.00039), suggesting that the variant is a benign polymorphism found primarily in populations of South Asian origin. c.46790G>A has been reported in the literature in individuals affected with hypertrophic cardiomyopathy (Mademont-Soler_2017), however it has not been reported in patient with Dilated Cardiomyopathy. This report does not provide unequivocal conclusions about association of the variant with Dilated Cardiomyopathy. To our knowledge, no experimental evidence demonstrating an impact on protein function has been reported. No clinical diagnostic laboratories have submitted clinical-significance assessments for this variant to ClinVar after 2014. Based on the evidence outlined above, the variant was classified as likely benign.

GeneDx
Classification: Likely benign. Last evaluated: 2019-11-12. Review status: criteria provided, single submitter. Criteria: GeneDx Variant Classification Process June 2021. Collection method: clinical testing. Allele origin: germline. Affected: yes.

Literature cited by the submitters: PubMed 28771489 (cited by Women's Health and Genetics/Laboratory Corporation of America, LabCorp).